The following is an entry in ClinVar:

ClinVar aggregate classification (germline): Likely benign (1 of 4 stars; one submission).

Allele frequency attached by ClinVar (database versions not stated): ExAC 0.00006; TOPMed 0.00015; 1000 Genomes Project 0.00020; gnomAD 0.00021; ESP Exome Variant Server 0.00023; 1000 Genomes Project 30x 0.00031; gnomAD exomes 0.00039.

Submission:

CeGaT Center for Human Genetics Tuebingen
Classification: Likely benign. Last evaluated: 2024-03-01. Review status: criteria provided, single submitter. Criteria: CeGaT Center For Human Genetics Tuebingen Variant Classification Criteria Version 2. Collection method: clinical testing. Allele origin: germline. Affected: yes. Observed: 1 variant allele.
Comment: POU4F1: BP4, BP7

NM_006237.4(POU4F1):c.846G>A (p.Leu282=)

Genes: OBI1-AS1 (OBI1 antisense RNA 1; plus strand), POU4F1 (POU class 4 homeobox 1; minus strand). Cytogenetic location: 13q31.1.
Variant type: single nucleotide variant.
Coding change: c.846G>A on transcript NM_006237.4 (MANE Select); coding-DNA position 846, G replaced by A.
Protein change: p.Leu282=; no amino-acid change (leucine 282 retained).
Molecular consequence: synonymous variant.
Genome position (GRCh38, 1-based): chr13:78,601,829, C>T on the plus strand (G>A on the coding strand, the complement: POU4F1 is on the minus strand). VCF-style: chr13-78601829-C-T. GRCh37 (hg19) VCF-style: chr13-79175964-C-T.
Identifiers: ClinVar variation 3067200 (VCV003067200.21), dbSNP rs150486421, ClinGen allele CA7012573.